The following is an entry in ClinVar:

NM_006019.4(TCIRG1):c.1680T>G (p.Phe560Leu)

Gene: TCIRG1 (T cell immune regulator 1, ATPase H+ transporting V0 subunit a3; plus strand). Cytogenetic location: 11q13.2.
Variant type: single nucleotide variant.
Coding change: c.1680T>G on transcript NM_006019.4 (MANE Select); coding-DNA position 1680, T replaced by G.
Protein change: p.Phe560Leu; replaces phenylalanine 560 with leucine.
Molecular consequence: missense variant.
Genome position (GRCh38, 1-based): chr11:68,049,087, T>G. VCF-style: chr11-68049087-T-G. GRCh37 (hg19) VCF-style: chr11-67816554-T-G.
Other names: c.786T>G, p.Phe262Leu (NM_001351059.2); c.1032T>G, p.Phe344Leu (NM_006053.4); short protein forms F262L, F560L, F344L.
Identifiers: ClinVar variation 3686582 (VCV003686582.2).
Genomic context (GRCh38, chr11:68,049,087, plus strand): 5'-AGGCTGGCAGGCCAGAGTGGGCCCCAGTGAGCACACCTCCCTCTTGCCCGCCAGGCACTT[T>G]GGCCAGAGGCACCGGCTGCTGCTGGAGACGCTGCCGGAGCTCACCTTCCTGCTGGGACTC-3'
Protein context (NP_006010.2, residues 550-570): VVLGVFNHVH[Phe560Leu]GQRHRLLLET

ClinVar aggregate classification (germline): Uncertain significance (1 of 4 stars; one submission).

Submission:

Labcorp Genetics (formerly Invitae), Labcorp
Classification: Uncertain significance. Last evaluated: 2024-06-14. Review status: criteria provided, single submitter. Criteria: Invitae Variant Classification Sherloc (09022015). Collection method: clinical testing. Allele origin: germline.
Comment: This sequence change replaces phenylalanine, which is neutral and non-polar, with leucine, which is neutral and non-polar, at codon 560 of the TCIRG1 protein (p.Phe560Leu). This variant is not present in population databases (gnomAD no frequency). This variant has not been reported in the literature in individuals affected with TCIRG1-related conditions. Advanced modeling of protein sequence and biophysical properties (such as structural, functional, and spatial information, amino acid conservation, physicochemical variation, residue mobility, and thermodynamic stability) performed at Invitae indicates that this missense variant is not expected to disrupt TCIRG1 protein function with a negative predictive value of 80%. In summary, the available evidence is currently insufficient to determine the role of this variant in disease. Therefore, it has been classified as a Variant of Uncertain Significance.